The following is an entry in ClinVar:

ClinVar aggregate classification (germline): Uncertain significance (1 of 4 stars; one submission).

Allele frequency attached by ClinVar (database versions not stated): ExAC 0.00001.

Submission:

Labcorp Genetics (formerly Invitae), Labcorp
Classification: Uncertain significance. Last evaluated: 2021-09-01. Review status: criteria provided, single submitter. Criteria: Invitae Variant Classification Sherloc (09022015). Collection method: clinical testing. Allele origin: germline.
Comment: This sequence change replaces aspartic acid with asparagine at codon 57 of the DTNBP1 protein (p.Asp57Asn). The aspartic acid residue is highly conserved and there is a small physicochemical difference between aspartic acid and asparagine. This variant is present in population databases (rs763426489, ExAC 0.002%). This variant has not been reported in the literature in individuals affected with DTNBP1-related conditions. Algorithms developed to predict the effect of missense changes on protein structure and function are either unavailable or do not agree on the potential impact of this missense change (SIFT: "Deleterious"; PolyPhen-2: "Probably Damaging"; Align-GVGD: "Class C0"). In summary, the available evidence is currently insufficient to determine the role of this variant in disease. Therefore, it has been classified as a Variant of Uncertain Significance.

NM_032122.5(DTNBP1):c.169G>A (p.Asp57Asn)

Gene: DTNBP1 (dystrobrevin binding protein 1; minus strand). Cytogenetic location: 6p22.3.
Variant type: single nucleotide variant.
Coding change: c.169G>A on transcript NM_032122.5 (MANE Select); coding-DNA position 169, G replaced by A.
Protein change: p.Asp57Asn; replaces aspartic acid 57 with asparagine.
Molecular consequence: missense variant. On other transcripts: 5 prime UTR variant (1), non-coding transcript variant (1).
Genome position (GRCh38, 1-based): chr6:15,637,797, C>T on the plus strand (G>A on the coding strand, the complement: DTNBP1 is on the minus strand). VCF-style: chr6-15637797-C-T. GRCh37 (hg19) VCF-style: chr6-15638028-C-T.
Other names: c.-75G>A (NM_001271667.2); c.118G>A, p.Asp40Asn (NM_001271668.2); c.64G>A, p.Asp22Asn (NM_001271669.2); c.169G>A, p.Asp57Asn (NM_183040.2); short protein forms D22N, D57N, D40N.
Identifiers: ClinVar variation 1465826 (VCV001465826.5), dbSNP rs763426489, ClinGen allele CA3644217.